The following is an entry in ClinVar:

NM_001042492.3(NF1):c.8000C>G (p.Thr2667Ser)

Gene: NF1 (neurofibromin 1; plus strand). Cytogenetic location: 17q11.2.
Variant type: single nucleotide variant.
Coding change: c.8000C>G on transcript NM_001042492.3 (MANE Select); coding-DNA position 8000, C replaced by G.
Protein change: p.Thr2667Ser; replaces threonine 2667 with serine.
Molecular consequence: missense variant.
Genome position (GRCh38, 1-based): chr17:31,358,509, C>G. VCF-style: chr17-31358509-C-G. GRCh37 (hg19) VCF-style: chr17-29685527-C-G.
Other names: c.7937C>G, p.Thr2646Ser (NM_000267.4); short protein forms T2646S, T2667S.
Identifiers: ClinVar variation 1692354 (VCV001692354.6), dbSNP rs786203669, ClinGen allele CA399203649.

ClinVar aggregate classification (germline): Uncertain significance. Review status: criteria provided, multiple submitters, no conflicts (2 of 4 stars). 3 submissions from 3 submitters: Uncertain significance (3). Last evaluated 2023-10-14.

Conditions:
Hereditary cancer-predisposing syndrome. Also called: Neoplastic Syndromes, Hereditary; Hereditary Cancer Syndrome; Tumor predisposition; Hereditary neoplastic syndrome. Identifiers: Orphanet 140162, MedGen C0027672, MeSH D009386, MONDO:0015356.
Cardiovascular phenotype. Identifiers: MedGen CN230736.
Neurofibromatosis, type 1 (NF1). Also called: VON RECKLINGHAUSEN DISEASE; NEUROFIBROMATOSIS, TYPE I, SOMATIC; Peripheral type neurofibromatosis; Neurofibromatosis, type I. Identifiers: Orphanet 636, MedGen C0027831, MONDO:0018975, OMIM 162200. Disease mechanism: loss of function.

Submissions (3):

Labcorp Genetics (formerly Invitae), Labcorp
Classification: Uncertain significance for Neurofibromatosis, type 1. Last evaluated: 2023-10-14. Review status: criteria provided, single submitter. Criteria: Invitae Variant Classification Sherloc (09022015). Collection method: clinical testing. Allele origin: germline.
Comment: This sequence change replaces threonine, which is neutral and polar, with serine, which is neutral and polar, at codon 2646 of the NF1 protein (p.Thr2646Ser). This variant is not present in population databases (gnomAD no frequency). This variant has not been reported in the literature in individuals affected with NF1-related conditions. ClinVar contains an entry for this variant (Variation ID: 1692354). Advanced modeling of protein sequence and biophysical properties (such as structural, functional, and spatial information, amino acid conservation, physicochemical variation, residue mobility, and thermodynamic stability) performed at Invitae indicates that this missense variant is not expected to disrupt NF1 protein function with a negative predictive value of 95%. In summary, the available evidence is currently insufficient to determine the role of this variant in disease. Therefore, it has been classified as a Variant of Uncertain Significance.

Ambry Genetics
Classification: Uncertain significance for Cardiovascular phenotype; Hereditary cancer-predisposing syndrome. Last evaluated: 2022-03-14. Review status: criteria provided, single submitter. Criteria: Ambry Variant Classification Scheme 2023. Collection method: clinical testing. Allele origin: germline.
Comment: The p.T2646S variant (also known as c.7937C>G), located in coding exon 54 of the NF1 gene, results from a C to G substitution at nucleotide position 7937. The threonine at codon 2646 is replaced by serine, an amino acid with similar properties. This amino acid position is conserved. In addition, this alteration is predicted to be tolerated by in silico analysis. Since supporting evidence is limited at this time, the clinical significance of this alteration remains unclear.

Sema4
Classification: Uncertain significance for Hereditary cancer-predisposing syndrome. Last evaluated: 2022-02-22. Review status: criteria provided, single submitter. Criteria: Sema4 Curation Guidelines. Collection method: curation. Allele origin: germline.
Comment: The NF1 c.7937C>G (p.T2646S) variant has not been reported in the literature to our knowledge. It was not observed in the large and broad cohorts of the Genome Aggregation Database (PMID: 32461654). This variant has not been reported in ClinVar. Functional studies have not been performed, and in silico predictions of the variant's effect on protein function are inconclusive. The evidence is insufficient to meet ACMG/AMP criteria for classifying the variant as benign or pathogenic. Thus, the clinical significance of this variant is currently uncertain.